The following is an entry in ClinVar:

ClinVar aggregate classification (germline): Uncertain significance (1 of 4 stars; one submission).

Conditions:
SETD1B-related disorder. Also called: SETD1B-related condition.

Submission:

PreventionGenetics, part of Exact Sciences
Classification: Uncertain significance for SETD1B-related condition. Last evaluated: 2024-12-11. Review status: criteria provided, single submitter. Criteria: ACMG Guidelines, 2015. Collection method: clinical testing. Allele origin: germline.
Comment: The SETD1B c.4239T>A variant is predicted to result in the amino acid substitution p.Asp1413Glu. To our knowledge, this variant has not been reported in the literature or in a large population database (gnomAD), indicating this variant is rare. At this time, the clinical significance of this variant is uncertain due to the absence of conclusive functional and genetic evidence.

NM_001353345.2(SETD1B):c.4368T>A (p.Asp1456Glu)

Gene: SETD1B (SET domain containing 1B, histone lysine methyltransferase; plus strand). Cytogenetic location: 12q24.31.
Variant type: single nucleotide variant.
Coding change: c.4368T>A on transcript NM_001353345.2 (MANE Select); coding-DNA position 4368, T replaced by A.
Protein change: p.Asp1456Glu; replaces aspartic acid 1456 with glutamic acid.
Molecular consequence: missense variant.
Genome position (GRCh38, 1-based): chr12:121,822,947, T>A. VCF-style: chr12-121822947-T-A. GRCh37 (hg19) VCF-style: chr12-122260853-T-A.
Other names: NM_015048.1:c.4239T>A; short protein forms D1456E.
Identifiers: ClinVar variation 5000642 (VCV005000642.1).